The following is an entry in ClinVar:

ClinVar aggregate classification (germline): Uncertain significance. Review status: criteria provided, multiple submitters, no conflicts (2 of 4 stars). 2 submissions from 2 submitters: Uncertain significance (2). Last evaluated 2024-11-11.

Conditions:
Inborn genetic diseases. Identifiers: MedGen C0950123, MeSH D030342.
Nemaline myopathy 8 (NEM8). Also called: Nemaline myopathy 8, autosomal recessive. Identifiers: Orphanet 171430, MedGen C3809209, MONDO:0014138, OMIM 615348.

Allele frequency attached by ClinVar (database versions not stated): gnomAD exomes below 0.00001; gnomAD 0.00002 and 0.00003; TOPMed 0.00002.

Submissions (2):

Ambry Genetics
Classification: Uncertain significance for Inborn genetic diseases. Last evaluated: 2024-11-11. Review status: criteria provided, single submitter. Criteria: Ambry Variant Classification Scheme 2023. Collection method: clinical testing. Allele origin: germline.

Labcorp Genetics (formerly Invitae), Labcorp
Classification: Uncertain significance for Nemaline myopathy 8. Last evaluated: 2019-02-20. Review status: criteria provided, single submitter. Criteria: Invitae Variant Classification Sherloc (09022015). Collection method: clinical testing. Allele origin: germline.
Comment: This sequence change replaces valine with leucine at codon 457 of the KLHL40 protein (p.Val457Leu). The valine residue is moderately conserved and there is a small physicochemical difference between valine and leucine. This variant is not present in population databases (ExAC no frequency). This variant has not been reported in the literature in individuals with KLHL40-related conditions. Algorithms developed to predict the effect of missense changes on protein structure and function are either unavailable or do not agree on the potential impact of this missense change (SIFT: "Deleterious"; PolyPhen-2: "Benign"; Align-GVGD: "Class C0"). In summary, the available evidence is currently insufficient to determine the role of this variant in disease. Therefore, it has been classified as a Variant of Uncertain Significance.

NM_152393.4(KLHL40):c.1369G>C (p.Val457Leu)

Gene: KLHL40 (kelch like family member 40; plus strand). Cytogenetic location: 3p22.1.
Variant type: single nucleotide variant.
Coding change: c.1369G>C on transcript NM_152393.4 (MANE Select); coding-DNA position 1369, G replaced by C.
Protein change: p.Val457Leu; replaces valine 457 with leucine.
Molecular consequence: missense variant.
Genome position (GRCh38, 1-based): chr3:42,688,665, G>C. VCF-style: chr3-42688665-G-C. GRCh37 (hg19) VCF-style: chr3-42730157-G-C.
Other names: c.1369G>C (NM_152393.2); short protein forms V457L.
Identifiers: ClinVar variation 854435 (VCV000854435.7), dbSNP rs568243443, ClinGen allele CA74193406.